The following is an entry in ClinVar:

NM_000059.4(BRCA2):c.3365del (p.Gly1122fs)

Gene: BRCA2 (BRCA2 DNA repair associated; plus strand). Cytogenetic location: 13q13.1.
Variant type: Deletion.
Coding change: c.3365del on transcript NM_000059.4 (MANE Select); coding-DNA position 3365, one base deleted (G; older notation c.3365delG).
Protein change: p.Gly1122fs; shifts the reading frame from glycine 1122.
Molecular consequence: frameshift variant.
Genome position (GRCh38, 1-based): chr13:32,337,720, G deleted; the last of 2 consecutive G bases (chr13:32,337,719-32,337,720); deleting either gives the same sequence. VCF-style (leftmost placement, unchanged base first): chr13-32337718-AG-A. GRCh37 (hg19) VCF-style: chr13-32911855-AG-A.
Other names: c.3365delG (NM_000059.3); short protein forms G1122fs.
Identifiers: ClinVar variation 185422 (VCV000185422.21), dbSNP rs786202160, ClinGen allele CA017872.

ClinVar aggregate classification (germline): Pathogenic. Review status: reviewed by expert panel (3 of 4 stars). 6 submissions from 6 submitters: Pathogenic (1). 5 of the submissions do not count toward it. Last evaluated 2016-09-08.

Conditions:
Hereditary cancer-predisposing syndrome. Also called: Tumor predisposition; Hereditary Cancer Syndrome; Hereditary neoplastic syndrome; Neoplastic Syndromes, Hereditary. Identifiers: Orphanet 140162, MedGen C0027672, MeSH D009386, MONDO:0015356.
Hereditary breast ovarian cancer syndrome. Also called: Breast and ovarian cancer; Hereditary breast and ovarian cancer syndrome; Hereditary breast and ovarian cancer; BRCA1- and BRCA2-Associated Hereditary Breast and Ovarian Cancer; Hereditary breast and ovarian cancer syndrome (HBOC); Hereditary breast and/or ovarian cancer syndrome. Identifiers: Orphanet 145, MedGen C0677776, MeSH D061325, MONDO:0003582. Disease mechanism: loss of function.
Breast-ovarian cancer, familial, susceptibility to, 2 (BROVCA2). Also called: BRCA2 Hereditary Breast and Ovarian Cancer. Identifiers: Orphanet 145, MedGen C2675520, MONDO:0012933, OMIM 612555. Disease mechanism: loss of function.

Submissions (6):

Evidence-based Network for the Interpretation of Germline Mutant Alleles (ENIGMA)
Classification: Pathogenic for Breast-ovarian cancer, familial, susceptibility to, 2. Last evaluated: 2016-09-08. Review status: reviewed by expert panel. Criteria: ENIGMA BRCA1/2 Classification Criteria (2015). Collection method: curation. Allele origin: germline.
Comment: Variant allele predicted to encode a truncated non-functional protein.

Labcorp Genetics (formerly Invitae), Labcorp
Classification: Pathogenic for Hereditary breast ovarian cancer syndrome. Last evaluated: 2022-02-08. Review status: criteria provided, single submitter. Criteria: Invitae Variant Classification Sherloc (09022015). Collection method: clinical testing. Allele origin: germline. Not counted in ClinVar's aggregate classification.
Comment: For these reasons, this variant has been classified as Pathogenic. ClinVar contains an entry for this variant (Variation ID: 185422). This premature translational stop signal has been observed in individual(s) with breast cancer (PMID: 29752822). This variant is not present in population databases (gnomAD no frequency). This sequence change creates a premature translational stop signal (p.Gly1122Glufs*28) in the BRCA2 gene. It is expected to result in an absent or disrupted protein product. Loss-of-function variants in BRCA2 are known to be pathogenic (PMID: 20104584).

Color Diagnostics, LLC DBA Color Health
Classification: Pathogenic for Hereditary cancer-predisposing syndrome. Last evaluated: 2020-12-02. Review status: criteria provided, single submitter. Criteria: ACMG Guidelines, 2015. Collection method: clinical testing. Allele origin: germline. Not counted in ClinVar's aggregate classification.
Comment: This variant deletes 1 nucleotide in exon 11 of the BRCA2 gene, creating a frameshift and premature translation stop signal. This variant is also known as c.3364del in the literature and as 3593del according to the BIC nomenclature. This variant is expected to result in an absent or non-functional protein product. This variant has been reported in an individual affected with early-onset breast cancer (PMID: 29805665). This variant has not been identified in the general population by the Genome Aggregation Database (gnomAD). Loss of BRCA2 function is a known mechanism of disease. Based on the available evidence, this variant is classified as Pathogenic.

Ambry Genetics
Classification: Pathogenic for Hereditary cancer-predisposing syndrome. Last evaluated: 2020-10-13. Review status: criteria provided, single submitter. Criteria: Ambry Variant Classification Scheme 2023. Collection method: clinical testing. Allele origin: germline. Not counted in ClinVar's aggregate classification.
Comment: The c.3365delG pathogenic mutation, located in coding exon 10 of the BRCA2 gene, results from a deletion of one nucleotide at nucleotide position 3365, causing a translational frameshift with a predicted alternate stop codon (p.G1122Efs*28). This mutation, designated c.3364del, has been reported in several Chinese individuals with breast and/or ovarian cancer (Wei H et al. Oncol Lett, 2018 Jun;15:9420-9428; Bu H et al. J Obstet Gynaecol Res, 2019 Nov;45:2267-2274; Li JY et al. Int J Cancer, 2019 01;144:281-289). In addition to the clinical data presented in the literature, this alteration is expected to result in loss of function by premature protein truncation or nonsense-mediated mRNA decay. As such, this alteration is interpreted as a disease-causing mutation.

Women's Health and Genetics/Laboratory Corporation of America, LabCorp
Classification: Pathogenic for Hereditary breast and ovarian cancer syndrome. Last evaluated: 2018-08-20. Review status: criteria provided, single submitter. Criteria: LabCorp Variant Classification Summary - May 2015. Collection method: clinical testing. Allele origin: germline. Not counted in ClinVar's aggregate classification.
Comment: Variant summary: BRCA2 c.3365delG (p.Gly1122GlufsX28) results in a premature termination codon, predicted to cause a truncation of the encoded protein or absence of the protein due to nonsense mediated decay, which are commonly known mechanisms for disease. Truncations downstream of this position have been classified as pathogenic by our laboratory (eg. p.Leu1152X, p.Phe1182fsX1, p.Lys1191fsX6). The variant was absent in 244850 control chromosomes. c.3365delG has been reported in the literature in individuals affected with Hereditary Breast and Ovarian Cancer (Wei_2018). These data do not allow any conclusion about variant significance. To our knowledge, no experimental evidence demonstrating an impact on protein function has been reported. Three clinical diagnostic laboratories have submitted clinical-significance assessments for this variant to ClinVar after 2014 without evidence for independent evaluation and all classified the variant as pathogenic/likely pathogenic. Based on the evidence outlined above, the variant was classified as pathogenic.

GeneDx
Classification: Pathogenic. Last evaluated: 2015-05-27. Review status: criteria provided, single submitter. Criteria: GeneDx Variant Classification (06012015). Collection method: clinical testing. Allele origin: germline. Affected: yes. Not counted in ClinVar's aggregate classification.
Comment: This deletion of one nucleotide in BRCA2 is denoted c.3365delG at the cDNA level and p.Gly1122GlufsX28 (G1122EfsX28) at the protein level. The normal sequence, with the base that is deleted in braces, is TCAG[G]AAGT. The deletion causes a frameshift, which changes a Glycine to a Glutamic Acid at codon 1122, and creates a premature stop codon at position 28 of the new reading frame. Although this variant has not, to our knowledge, been reported in the literature, it is predicted to cause loss of normal protein function through either protein truncation or nonsense-mediated mRNA decay. we consider this variant to be pathogenic.

Literature cited by the submitters: PubMed 29752822 (cited by Labcorp Genetics (formerly Invitae), Labcorp and Ambry Genetics); PubMed 20104584 (cited by Labcorp Genetics (formerly Invitae), Labcorp); PubMed 29805665 (cited by Ambry Genetics); PubMed 31411802 (cited by Ambry Genetics); PubMed 28152038 (cited by Women's Health and Genetics/Laboratory Corporation of America, LabCorp).